The following is an entry in ClinVar:

NM_001165963.4(SCN1A):c.2177-270A>G

Gene: SCN1A (sodium voltage-gated channel alpha subunit 1; minus strand). Cytogenetic location: 2q24.3.
Variant type: single nucleotide variant.
Coding change: c.2177-270A>G on transcript NM_001165963.4 (MANE Select); 270 bases into the intron before coding-DNA position 2177, A replaced by G.
Molecular consequence: intron variant.
Genome position (GRCh38, 1-based): chr2:166,041,739, T>C on the plus strand (A>G on the coding strand, the complement: SCN1A is on the minus strand). VCF-style: chr2-166041739-T-C. GRCh37 (hg19) VCF-style: chr2-166898249-T-C.
Other names: c.2144-270A>G (NM_001353949.2, NM_001353950.2, NM_001353951.2 and 2 more transcripts); c.2093-270A>G (NM_001353958.2, NM_001353957.2, NM_001165964.3); c.2177-270A>G (NM_001202435.3, NM_001353948.2); c.2141-270A>G (NM_001353955.2, NM_001353954.2); c.2090-270A>G (NM_001353960.2); c.-282-270A>G (NM_001353961.2).
Identifiers: ClinVar variation 684226 (VCV000684226.1), dbSNP rs6731591, ClinGen allele CA11342026.

ClinVar aggregate classification (germline): Benign (1 of 4 stars; one submission).

Allele frequency attached by ClinVar (database versions not stated): TOPMed 0.17973; gnomAD 0.18963 and 0.19210; 1000 Genomes Project 30x 0.22080; 1000 Genomes Project 0.22544.
gnomAD v4.1: 29,161 of 152,028 alleles (19%); highest among the groups gnomAD compares: East Asian, 27%; 2,978 homozygotes.

Submission:

GeneDx
Classification: Benign. Last evaluated: 2018-06-19. Review status: criteria provided, single submitter. Criteria: GeneDx Variant Classification (06012015). Collection method: clinical testing. Allele origin: germline. Affected: yes.
Comment: This variant is considered likely benign or benign based on one or more of the following criteria: it is a conservative change, it occurs at a poorly conserved position in the protein, it is predicted to be benign by multiple in silico algorithms, and/or has population frequency not consistent with disease.